The following is an entry in ClinVar:

NM_001166108.2(PALLD):c.2468C>T (p.Pro823Leu)

Genes: CBR4 (carbonyl reductase 4; minus strand), PALLD (palladin, cytoskeletal associated protein; plus strand). Cytogenetic location: 4q32.3.
Variant type: single nucleotide variant.
Coding change: c.2468C>T on transcript NM_001166108.2 (MANE Select); coding-DNA position 2468, C replaced by T.
Protein change: p.Pro823Leu; replaces proline 823 with leucine.
Molecular consequence: missense variant.
Genome position (GRCh38, 1-based): chr4:168,898,710, C>T. VCF-style: chr4-168898710-C-T. GRCh37 (hg19) VCF-style: chr4-169819861-C-T.
Other names: c.1271C>T, p.Pro424Leu (NM_001166109.2); c.956C>T, p.Pro319Leu (NM_001166110.2); c.296C>T, p.Pro99Leu (NM_001367567.1, NM_001367569.1); c.347C>T, p.Pro116Leu (NM_001367568.1, NM_001367570.1); c.2417C>T, p.Pro806Leu (NM_016081.4); short protein forms P424L, P806L, P99L, P116L, P319L, P823L.
Identifiers: ClinVar variation 2448496 (VCV002448496.2), dbSNP rs2533737408, ClinGen allele CA358799208.
Genomic context (GRCh38, chr4:168,898,710, plus strand): 5'-ACAAGATCTTTGAGGGAATGCCAGTAACTTTCACATGTAGAGTGGCTGGAAATCCAAAGC[C>T]AAAGGTGAGCTGGGAGATGGAGGCTTTTTAAGAGTCATTCTCTGAGGAAAGGTTTAGCTT-3'
Protein context (NP_001159580.1, residues 813-833): FTCRVAGNPK[Pro823Leu]KIYWFKDGKQ

ClinVar aggregate classification (germline): Uncertain significance (1 of 4 stars; one submission).

Allele frequency attached by ClinVar (database versions not stated): gnomAD exomes below 0.00001.
gnomAD v4.1: 1 of 1,607,770 alleles (0.000062%); highest among the groups gnomAD compares: Non-Finnish European, 0.000085%; no homozygotes.

Submission:

Ambry Genetics
Classification: Uncertain significance. Last evaluated: 2023-02-19. Review status: criteria provided, single submitter. Criteria: Ambry Variant Classification Scheme 2023. Collection method: clinical testing. Allele origin: germline.
Comment: The p.P806L variant (also known as c.2417C>T), located in coding exon 12 of the PALLD gene, results from a C to T substitution at nucleotide position 2417. The proline at codon 806 is replaced by leucine, an amino acid with similar properties. This amino acid position is conserved. In addition, this alteration is predicted to be deleterious by in silico analysis. Since supporting evidence is limited at this time, the clinical significance of this alteration remains unclear.